The following is an entry in ClinVar:

ClinVar aggregate classification (germline): Pathogenic. Review status: criteria provided, multiple submitters, no conflicts (2 of 4 stars). 2 submissions from 2 submitters: Pathogenic (2). Last evaluated 2026-01-08.

Conditions:
TSC2-related disorder. Also called: TSC2-Related Disorders; TSC2-related condition.
Tuberous sclerosis 2 (TSC2). Identifiers: Orphanet 805, MedGen C1860707, MONDO:0013199, OMIM 613254.

Submissions (4):

PreventionGenetics, part of Exact Sciences
Classification: Pathogenic for TSC2-related condition. Last evaluated: 2026-01-08. Review status: criteria provided, single submitter. Criteria: ACMG Guidelines, 2015. Collection method: clinical testing. Allele origin: germline.
Comment: The TSC2 c.3610+1G>C variant is predicted to disrupt the GT donor site and interfere with normal splicing. This variant has been reported de novo in an individual with tuberous sclerosis (Mi et al. 2014. PubMed ID: 24737435). This variant has not been reported in a large population database (gnomAD), indicating this variant is rare. This variant is interpreted as pathogenic in ClinVar (Variation ID: 468027). Variants that disrupt the consensus splice donor site in TSC2 are expected to be pathogenic. This variant is interpreted as pathogenic.

Labcorp Genetics (formerly Invitae), Labcorp
Classification: Pathogenic for Tuberous sclerosis 2. Last evaluated: 2017-03-08. Review status: criteria provided, single submitter. Criteria: Invitae Variant Classification Sherloc (09022015). Collection method: clinical testing. Allele origin: germline.
Comment: For these reasons, this variant has been classified as Pathogenic. Loss-of-function variants in TSC2 are known to be pathogenic. This particular variant has been reported to occur de novo in an individual affected with tuberous sclerosis complex (PMID: 24737435). This sequence change affects a donor splice site in intron 30 of the TSC2 gene. It is expected to disrupt RNA splicing and likely results in an absent or disrupted protein product.

Dr. Peter K. Rogan Lab, Western University
No classification provided (evidence only). Condition: Clear cell carcinoma of kidney. Review status: no classification provided. Collection method: in vitro. Allele origin: not applicable. Functional consequence: retained intron. Not counted in ClinVar's aggregate classification.

MutSpliceDB: a database of splice sites variants effects on splicing, NIH
No classification provided (evidence only). Review status: no classification provided. Collection method: in vivo. Allele origin: not applicable. Functional consequence: retained intron. Not counted in ClinVar's aggregate classification.

Literature cited by the submitters: PubMed 24737435 (cited by Labcorp Genetics (formerly Invitae), Labcorp).

NM_000548.5(TSC2):c.3610+1G>C

Gene: TSC2 (TSC complex subunit 2; plus strand). Cytogenetic location: 16p13.3.
Variant type: single nucleotide variant.
Coding change: c.3610+1G>C on transcript NM_000548.5 (MANE Select); the canonical splice donor site of the intron after coding-DNA position 3610, G replaced by C.
Molecular consequence: splice donor variant.
Genome position (GRCh38, 1-based): chr16:2,080,378, G>C. VCF-style: chr16-2080378-G-C. GRCh37 (hg19) VCF-style: chr16-2130379-G-C.
Other names: c.3466+1G>C (NM_001406673.1); c.3019+1G>C (NM_001406681.1); c.3499+1G>C (NM_001406670.1); c.3370+1G>C (NM_001318827.2); c.3367+1G>C (NM_001406678.1); c.3010+1G>C (NM_001406682.1, NM_001406680.1, NM_001406683.1); c.3007+1G>C (NM_001406684.1); c.2881+1G>C (NM_001406685.1, NM_001406686.1); and 18 more.
Identifiers: ClinVar variation 468027 (VCV000468027.14), dbSNP rs45517299, ClinGen allele CA394289761.